The following is an entry in ClinVar:

ClinVar aggregate classification (germline): Uncertain significance (1 of 4 stars; one submission).

Submission:

CeGaT Center for Human Genetics Tuebingen
Classification: Uncertain significance. Last evaluated: 2025-07-01. Review status: criteria provided, single submitter. Criteria: CeGaT Center For Human Genetics Tuebingen Variant Classification Criteria Version 2. Collection method: clinical testing. Allele origin: germline. Affected: yes. Observed: 2 variant alleles.
Comment: KIF1B: PM2, BP4

NM_001365951.3(KIF1B):c.4576C>G (p.Leu1526Val)

Gene: KIF1B (kinesin family member 1B; plus strand). Cytogenetic location: 1p36.22.
Variant type: single nucleotide variant.
Coding change: c.4576C>G on transcript NM_001365951.3 (MANE Select); coding-DNA position 4576, C replaced by G.
Protein change: p.Leu1526Val; replaces leucine 1526 with valine.
Molecular consequence: missense variant.
Genome position (GRCh38, 1-based): chr1:10,365,472, C>G. VCF-style: chr1-10365472-C-G. GRCh37 (hg19) VCF-style: chr1-10425530-C-G.
Other names: c.4576C>G, p.Leu1526Val (NM_001365952.1); c.4438C>G, p.Leu1480Val (NM_015074.3); short protein forms L1480V, L1526V.
Identifiers: ClinVar variation 2638202 (VCV002638202.24), dbSNP rs2521914260, ClinGen allele CA338321936.